The following is an entry in ClinVar:

ClinVar aggregate classification (germline): Uncertain significance (1 of 4 stars; one submission).

gnomAD v4.1: 1 of 1,614,110 alleles (0.000062%); highest among the groups gnomAD compares: Admixed American, 0.0017%; no homozygotes.

Submission:

Labcorp Genetics (formerly Invitae), Labcorp
Classification: Uncertain significance. Last evaluated: 2024-05-09. Review status: criteria provided, single submitter. Criteria: Invitae Variant Classification Sherloc (09022015). Collection method: clinical testing. Allele origin: germline.
Comment: This sequence change replaces alanine, which is neutral and non-polar, with threonine, which is neutral and polar, at codon 2014 of the BPTF protein (p.Ala2014Thr). This variant is not present in population databases (gnomAD no frequency). This variant has not been reported in the literature in individuals affected with BPTF-related conditions. An algorithm developed to predict the effect of missense changes on protein structure and function (PolyPhen-2) suggests that this variant is likely to be disruptive. In summary, the available evidence is currently insufficient to determine the role of this variant in disease. Therefore, it has been classified as a Variant of Uncertain Significance.

NM_182641.4(BPTF):c.5662G>A (p.Ala1888Thr)

Gene: BPTF (bromodomain PHD finger transcription factor; plus strand). Cytogenetic location: 17q24.2.
Variant type: single nucleotide variant.
Coding change: c.5662G>A on transcript NM_182641.4 (MANE Select); coding-DNA position 5662, G replaced by A.
Protein change: p.Ala1888Thr; replaces alanine 1888 with threonine.
Molecular consequence: missense variant.
Genome position (GRCh38, 1-based): chr17:67,922,944, G>A. VCF-style: chr17-67922944-G-A. GRCh37 (hg19) VCF-style: chr17-65919060-G-A.
Other names: c.6040G>A, p.Ala2014Thr (NM_004459.7); short protein forms A1888T, A2014T.
Identifiers: ClinVar variation 3677538 (VCV003677538.2).